The following is an entry in ClinVar:

NM_000070.3(CAPN3):c.855_864dup (p.Arg289fs)

Gene: CAPN3 (calpain 3; plus strand). Cytogenetic location: 15q15.1.
Variant type: Duplication.
Coding change: c.855_864dup on transcript NM_000070.3 (MANE Select); coding-DNA positions 855 to 864, 10 bases duplicated (GTTGATTGCA; older notation c.855_864dupGTTGATTGCA).
Protein change: p.Arg289fs; shifts the reading frame from arginine 289.
Molecular consequence: frameshift variant. On other transcripts: intron variant (1).
Genome position (GRCh38, 1-based): chr15:42,390,006-42,390,015, GTTGATTGCA duplicated; duplicating any 10 consecutive bases within chr15:42,390,005-42,390,015 gives the same sequence; the c. name uses the placement nearest the transcript's 3' end. VCF-style (leftmost placement, unchanged base first): chr15-42390004-G-GAGTTGATTGC. GRCh37 (hg19) VCF-style: chr15-42682202-G-GAGTTGATTGC.
Other names: c.855_864dup, p.Arg289fs (NM_024344.2); c.801+910_801+919dup (NM_173087.2); short protein forms R289fs.
Identifiers: ClinVar variation 92421 (VCV000092421.16), dbSNP rs398123150, ClinGen allele CA220354.

ClinVar aggregate classification (germline): Pathogenic. Review status: criteria provided, multiple submitters, no conflicts (2 of 4 stars). 2 submissions from 2 submitters: Pathogenic (2). Last evaluated 2022-07-25.

Conditions:
Autosomal recessive limb-girdle muscular dystrophy type 2A (LGMDR1). Also called: Muscular dystrophy, limb-girdle, type 2A, Amish; Limb-girdle muscular dystrophy, type 2A; Calpainopathy; LEYDEN-MOEBIUS MUSCULAR DYSTROPHY; MUSCULAR DYSTROPHY, PELVOFEMORAL. Identifiers: Orphanet 267, MedGen C1869123, MONDO:0009675, OMIM 253600. Disease mechanism: loss of function.

Submissions (2):

Labcorp Genetics (formerly Invitae), Labcorp
Classification: Pathogenic for Autosomal recessive limb-girdle muscular dystrophy type 2A. Last evaluated: 2022-07-25. Review status: criteria provided, single submitter. Criteria: Invitae Variant Classification Sherloc (09022015). Collection method: clinical testing. Allele origin: germline.
Comment: This variant has not been reported in the literature in individuals affected with CAPN3-related conditions. For these reasons, this variant has been classified as Pathogenic. ClinVar contains an entry for this variant (Variation ID: 92421). This variant is not present in population databases (gnomAD no frequency). This sequence change creates a premature translational stop signal (p.Arg289Valfs*11) in the CAPN3 gene. It is expected to result in an absent or disrupted protein product. Loss-of-function variants in CAPN3 are known to be pathogenic (PMID: 10330340, 15689361).

Eurofins Ntd Llc (ga)
Classification: Pathogenic. Last evaluated: 2013-04-30. Review status: criteria provided, single submitter. Criteria: EGL Classification Definitions. Collection method: clinical testing. Allele origin: germline. Observed: 1 variant allele, 1 heterozygote.

Literature cited by the submitters: PubMed 10330340 (cited by Labcorp Genetics (formerly Invitae), Labcorp); PubMed 15689361 (cited by Labcorp Genetics (formerly Invitae), Labcorp); PubMed 23757202 (cited by Eurofins Ntd Llc (ga)).